The following is an entry in ClinVar:

NM_001081.4(CUBN):c.4771G>C (p.Val1591Leu)

Gene: CUBN (cubilin; minus strand). Cytogenetic location: 10p13.
Variant type: single nucleotide variant.
Coding change: c.4771G>C on transcript NM_001081.4 (MANE Select); coding-DNA position 4771, G replaced by C.
Protein change: p.Val1591Leu; replaces valine 1591 with leucine.
Molecular consequence: missense variant.
Genome position (GRCh38, 1-based): chr10:16,954,473, C>G on the plus strand (G>C on the coding strand, the complement: CUBN is on the minus strand). VCF-style: chr10-16954473-C-G. GRCh37 (hg19) VCF-style: chr10-16996472-C-G.
Other names: short protein forms V1591L.
Identifiers: ClinVar variation 2068566 (VCV002068566.6), dbSNP rs201056237, ClinGen allele CA5424257.

ClinVar aggregate classification (germline): Uncertain significance. Review status: criteria provided, multiple submitters, no conflicts (2 of 4 stars). 3 submissions from 3 submitters: Uncertain significance (3). Last evaluated 2025-03-24.

Conditions:
Imerslund-Grasbeck syndrome type 1 (IGS1). Also called: Imerslund-Gräsbeck syndrome 1; Megaloblastic anemia 1, Finnish type; MEGALOBLASTIC ANEMIA, 1. Identifiers: MedGen C4016819, MONDO:0100156, OMIM 261100.
Proteinuria, chronic benign. Identifiers: MedGen C5394384, MONDO:0030042, OMIM 618884.
Inborn genetic diseases. Identifiers: MedGen C0950123, MeSH D030342.
Imerslund-Grasbeck syndrome. Also called: ENTEROCYTE COBALAMIN MALABSORPTION; ENTEROCYTE INTRINSIC FACTOR RECEPTOR, DEFECT OF; PERNICIOUS ANEMIA, JUVENILE, DUE TO SELECTIVE INTESTINAL MALABSORPTION OF VITAMIN B12, WITH PROTEINURIA; Imerslund-Gräsbeck syndrome; Megaloblastic anemia due to inborn errors of metabolism. Identifiers: Orphanet 35858, MedGen C4551825, MONDO:0009853.

Allele frequency attached by ClinVar (database versions not stated): TOPMed below 0.00001.
gnomAD v4.1: 52 of 1,613,904 alleles (0.0032%); highest among the groups gnomAD compares: Non-Finnish European, 0.0042%; no homozygotes.

Submissions (3):

Ambry Genetics
Classification: Uncertain significance for Inborn genetic diseases. Last evaluated: 2025-03-24. Review status: criteria provided, single submitter. Criteria: Ambry Variant Classification Scheme 2023. Collection method: clinical testing. Allele origin: germline.

Fulgent Genetics
Classification: Uncertain significance for Imerslund-Grasbeck syndrome type 1; Proteinuria, chronic benign. Last evaluated: 2024-03-22. Review status: criteria provided, single submitter. Criteria: ACMG Guidelines, 2015. Collection method: clinical testing. Allele origin: germline.

Labcorp Genetics (formerly Invitae), Labcorp
Classification: Uncertain significance for Imerslund-Grasbeck syndrome. Last evaluated: 2022-04-20. Review status: criteria provided, single submitter. Criteria: Invitae Variant Classification Sherloc (09022015). Collection method: clinical testing. Allele origin: germline.
Comment: Algorithms developed to predict the effect of missense changes on protein structure and function (SIFT, PolyPhen-2, Align-GVGD) all suggest that this variant is likely to be tolerated. This sequence change replaces valine, which is neutral and non-polar, with leucine, which is neutral and non-polar, at codon 1591 of the CUBN protein (p.Val1591Leu). This variant is present in population databases (rs201056237, gnomAD 0.005%). This variant has not been reported in the literature in individuals affected with CUBN-related conditions. In summary, the available evidence is currently insufficient to determine the role of this variant in disease. Therefore, it has been classified as a Variant of Uncertain Significance.